The following is an entry in ClinVar:

NM_001063.4(TF):c.1676A>T (p.Gln559Leu)

Gene: TF (transferrin; plus strand). Cytogenetic location: 3q22.1.
Variant type: single nucleotide variant.
Coding change: c.1676A>T on transcript NM_001063.4 (MANE Select); coding-DNA position 1676, A replaced by T.
Protein change: p.Gln559Leu; replaces glutamine 559 with leucine.
Molecular consequence: missense variant.
Genome position (GRCh38, 1-based): chr3:133,770,561, A>T. VCF-style: chr3-133770561-A-T. GRCh37 (hg19) VCF-style: chr3-133489405-A-T.
Other names: c.1544A>T, p.Gln515Leu (NM_001354703.2); c.1295A>T, p.Gln432Leu (NM_001354704.2); short protein forms Q432L, Q515L, Q559L.
Identifiers: ClinVar variation 4526046 (VCV004526046.2).

ClinVar aggregate classification (germline): Uncertain significance. Review status: criteria provided, multiple submitters, no conflicts (2 of 4 stars). 2 submissions from 2 submitters: Uncertain significance (2). Last evaluated 2025-07-09.

gnomAD v4.1: 100 of 1,614,036 alleles (0.0062%); highest among the groups gnomAD compares: Non-Finnish European, 0.0076%; no homozygotes.

Submissions (2):

Women's Health and Genetics/Laboratory Corporation of America, LabCorp
Classification: Uncertain significance. Last evaluated: 2025-07-09. Review status: criteria provided, single submitter. Criteria: LabCorp Variant Classification Summary - May 2015. Collection method: clinical testing. Allele origin: germline.
Comment: Variant summary: TF c.1676A>T (p.Gln559Leu) results in a non-conservative amino acid change in the encoded protein sequence. Algorithms developed to predict the effect of missense changes on protein structure and function are either unavailable or do not agree on the potential impact of this missense change. The variant allele was found at a frequency of 4.4e-05 in 251494 control chromosomes. This frequency is not significantly higher than estimated for a pathogenic variant in TF causing Atransferrinemia (4.4e-05 vs 0.0011), allowing no conclusion about variant significance. To our knowledge, no occurrence of c.1676A>T in individuals affected with Atransferrinemia and no experimental evidence demonstrating its impact on protein function have been reported. No submitters have cited clinical-significance assessments for this variant to ClinVar. Based on the evidence outlined above, the variant was classified as uncertain significance.

Blueprint Genetics
Classification: Uncertain significance. Last evaluated: 2024-10-14. Review status: criteria provided, single submitter. Criteria: ACMG Guidelines, 2015. Collection method: clinical testing. Allele origin: germline.